The following is an entry in ClinVar:

NM_000400.4(ERCC2):c.640G>C (p.Asp214His)

Gene: ERCC2 (ERCC excision repair 2, TFIIH core complex helicase subunit; minus strand). Cytogenetic location: 19q13.32.
Variant type: single nucleotide variant.
Coding change: c.640G>C on transcript NM_000400.4 (MANE Select); coding-DNA position 640, G replaced by C.
Protein change: p.Asp214His; replaces aspartic acid 214 with histidine.
Molecular consequence: missense variant.
Genome position (GRCh38, 1-based): chr19:45,364,502, C>G on the plus strand (G>C on the coding strand, the complement: ERCC2 is on the minus strand). VCF-style: chr19-45364502-C-G. GRCh37 (hg19) VCF-style: chr19-45867760-C-G.
Other names: c.568G>C, p.Asp190His (NM_001130867.2); short protein forms D190H, D214H.
Identifiers: ClinVar variation 3509899 (VCV003509899.1).

ClinVar aggregate classification (germline): Uncertain significance (1 of 4 stars; one submission).

Conditions:
Inborn genetic diseases. Identifiers: MedGen C0950123, MeSH D030342.

Submission:

Ambry Genetics
Classification: Uncertain significance for Inborn genetic diseases. Last evaluated: 2024-11-11. Review status: criteria provided, single submitter. Criteria: Ambry Variant Classification Scheme 2023. Collection method: clinical testing. Allele origin: germline.
Comment: The p.D214H variant (also known as c.640G>C), located in coding exon 8 of the ERCC2 gene, results from a G to C substitution at nucleotide position 640. The aspartic acid at codon 214 is replaced by histidine, an amino acid with similar properties. This amino acid position is conserved. In addition, this alteration is predicted to be deleterious by in silico analysis. Based on the available evidence, the clinical significance of this variant remains unclear.